The following is an entry in ClinVar:

NM_024577.4(SH3TC2):c.2642A>G (p.Asn881Ser)

Gene: SH3TC2 (SH3 domain and tetratricopeptide repeats 2; minus strand). Cytogenetic location: 5q32.
Variant type: single nucleotide variant.
Coding change: c.2642A>G on transcript NM_024577.4 (MANE Select); coding-DNA position 2642, A replaced by G.
Protein change: p.Asn881Ser; replaces asparagine 881 with serine.
Molecular consequence: missense variant.
Genome position (GRCh38, 1-based): chr5:149,027,090, T>C on the plus strand (A>G on the coding strand, the complement: SH3TC2 is on the minus strand). VCF-style: chr5-149027090-T-C. GRCh37 (hg19) VCF-style: chr5-148406653-T-C.
Other names: short protein forms N881S.
Identifiers: ClinVar variation 377021 (VCV000377021.43), dbSNP rs80338930, ClinGen allele CA3498953.
Genomic context (GRCh38, chr5:149,027,090, plus strand): 5'-TGCAGGAGATAGTTTCTGGCTGGATGCTGAGCCCAGGACTTAAGGCTCAGGTGGCCAAGA[T>C]TGGCCATAGCCACTGCCTGGTTATGCACATCTCCCACCTCCTGGGCTCTGTTCAAGGCCC-3'
Protein context (NP_078853.2, residues 871-891): DVHNQAVAMA[Asn881Ser]LGHLSLKSWA

ClinVar aggregate classification (germline): Pathogenic/Likely pathogenic. Review status: criteria provided, multiple submitters, no conflicts (2 of 4 stars). 9 submissions from 9 submitters: Pathogenic (6); Likely pathogenic (1). 2 of the submissions do not count toward it. Last evaluated 2025-05-14.

Conditions:
Charcot-Marie-Tooth disease type 4C (CMT4C). Also called: Charcot-Marie-Tooth Neuropathy Type 4C (CMT4C); CHARCOT-MARIE-TOOTH DISEASE, DEMYELINATING, TYPE 4C; CMT 4C; SH3TC2-Related Hereditary Motor and Sensory Neuropathy; CHARCOT-MARIE-TOOTH DISEASE, DEMYELINATING, AUTOSOMAL RECESSIVE, TYPE 4C. Identifiers: Orphanet 99949, MedGen C1866636, MONDO:0011113, OMIM 601596.
SH3TC2-related disorder. Also called: SH3TC2-related disorders; SH3TC2-related condition. Identifiers: MedGen CN239303.
Susceptibility to mononeuropathy of the median nerve, mild. Also called: CARPAL TUNNEL SYNDROME, SUSCEPTIBILITY TO. Identifiers: MedGen C3150596, MONDO:0013237, OMIM 613353.
Charcot-Marie-Tooth disease. Also called: Charcot-Marie-Tooth Neuropathy; Charcot-Marie-Tooth Hereditary Neuropathy. Identifiers: Orphanet 166, MedGen C0007959, MONDO:0015626.
Charcot-Marie-Tooth disease type 4. Also called: Charcot-Marie-Tooth disease, type IV; Charcot-Marie-Tooth, Type 4. Identifiers: Orphanet 64749, MedGen C4082197, MONDO:0018995.

Allele frequency attached by ClinVar (database versions not stated): ExAC 0.00001; gnomAD 0.00001; gnomAD exomes 0.00002; TOPMed 0.00002.
gnomAD v4.1: 16 of 1,614,032 alleles (0.00099%); highest among the groups gnomAD compares: African/African-American, 0.0027%; no homozygotes.

Submissions (9):

PreventionGenetics, part of Exact Sciences
Classification: Pathogenic for SH3TC2-related condition. Last evaluated: 2025-05-14. Review status: criteria provided, single submitter. Criteria: ACMG Guidelines, 2015. Collection method: clinical testing. Allele origin: germline.
Comment: The SH3TC2 c.2642A>G variant is predicted to result in the amino acid substitution p.Asn881Ser. This variant has been reported in the compound heterozygous state in multiple individuals with autosomal recessive Charcot-Marie-Tooth disease type 4C (Azzedine et al. 2006. PubMed ID: 16924012; Laššuthová et al. 2011. PubMed ID: 21291453; Lerat et al. 2019. PubMed ID: 31634715; Table S1, Rehbein et al. 2023. PubMed ID: 36947133). In vitro studies have demonstrated this variant negatively impacts the structure and function of perinuclear recycling endosomes due to a loss of Rab11 binding and mis-localization of the SH3TC2 protein to the cytoplasm (Roberts et al. 2010. PubMed ID: 20028792; Stendel et al. 2010. PubMed ID: 20826437). An additional study found that p.Asn881Ser-SH3TC2 fails to promote intracellular ERBB2 uptake, leading to the disruption of Nrg1/ErbB signaling pathways regulating axonal myelination (Gouttenoire et al. 2013. PubMed ID: 23553667). This variant is reported in 0.0040% of alleles in individuals of African descent in gnomAD. Taken together, this variant is interpreted as pathogenic for autosomal recessive SH3TC2-related disorders.

Labcorp Genetics (formerly Invitae), Labcorp
Classification: Pathogenic for Charcot-Marie-Tooth disease type 4. Last evaluated: 2024-10-16. Review status: criteria provided, single submitter. Criteria: Invitae Variant Classification Sherloc (09022015). Collection method: clinical testing. Allele origin: germline.
Comment: This sequence change replaces asparagine, which is neutral and polar, with serine, which is neutral and polar, at codon 881 of the SH3TC2 protein (p.Asn881Ser). This variant is present in population databases (rs80338930, gnomAD 0.004%). This missense change has been observed in individual(s) with autosomal recessive Charcot Marie Tooth disease (PMID: 16924012, 21291453). In at least one individual the data is consistent with being in trans (on the opposite chromosome) from a pathogenic variant. ClinVar contains an entry for this variant (Variation ID: 377021). Invitae Evidence Modeling of protein sequence and biophysical properties (such as structural, functional, and spatial information, amino acid conservation, physicochemical variation, residue mobility, and thermodynamic stability) has been performed for this missense variant. However, the output from this modeling did not meet the statistical confidence thresholds required to predict the impact of this variant on SH3TC2 protein function. Experimental studies have shown that this missense change affects SH3TC2 function (PMID: 20028792, 20826437, 23553667). For these reasons, this variant has been classified as Pathogenic.

Fulgent Genetics
Classification: Pathogenic for Charcot-Marie-Tooth disease type 4C; Susceptibility to mononeuropathy of the median nerve, mild. Last evaluated: 2024-03-27. Review status: criteria provided, single submitter. Criteria: ACMG Guidelines, 2015. Collection method: clinical testing. Allele origin: germline.

CeGaT Center for Human Genetics Tuebingen
Classification: Pathogenic. Last evaluated: 2023-04-01. Review status: criteria provided, single submitter. Criteria: CeGaT Center For Human Genetics Tuebingen Variant Classification Criteria Version 2. Collection method: clinical testing. Allele origin: germline. Affected: yes. Observed: 2 variant alleles.
Comment: SH3TC2: PS3:Very Strong, PM2, PP3

CMT Laboratory, Bogazici University
Classification: Pathogenic for Charcot-Marie-Tooth disease type 4C. Last evaluated: 2020-12-01. Review status: criteria provided, single submitter. Criteria: ACMG Guidelines, 2015. Collection method: clinical testing. Allele origin: germline. Affected: yes. Observed: 1 variant allele.

Mayo Clinic Laboratories, Mayo Clinic
Classification: Likely pathogenic. Last evaluated: 2020-09-28. Review status: criteria provided, single submitter. Criteria: ACMG Guidelines, 2015. Collection method: clinical testing. Allele origin: germline. Observed: 1 variant allele.
Comment: PS3, PS4_moderate, PM2, PP4

Center for Pediatric Genomic Medicine, Children's Mercy Hospital and Clinics
Classification: Pathogenic. Last evaluated: 2016-06-28. Review status: criteria provided, single submitter. Criteria: ACMG Guidelines, 2015. Collection method: clinical testing. Allele origin: germline.

Genesis Genome Database
Classification: Uncertain significance for Charcot-Marie-Tooth disease type 4. Last evaluated: 2019-08-14. Review status: no assertion criteria provided. Collection method: research. Allele origin: germline. Affected: yes. Not counted in ClinVar's aggregate classification.

Inherited Neuropathy Consortium
Classification: Uncertain significance for Charcot-Marie-Tooth disease. Review status: no assertion criteria provided. Collection method: literature only. Allele origin: germline. Affected: yes. Not counted in ClinVar's aggregate classification.

Literature cited by the submitters: PubMed 16924012 (cited by 3 submitters); PubMed 21291453 (cited by Labcorp Genetics (formerly Invitae), Labcorp and Mayo Clinic Laboratories, Mayo Clinic); PubMed 20028792 (cited by Labcorp Genetics (formerly Invitae), Labcorp and Mayo Clinic Laboratories, Mayo Clinic); PubMed 20826437 (cited by Labcorp Genetics (formerly Invitae), Labcorp and Mayo Clinic Laboratories, Mayo Clinic); PubMed 23553667 (cited by Labcorp Genetics (formerly Invitae), Labcorp and Mayo Clinic Laboratories, Mayo Clinic); PubMed 31673878 (cited by CMT Laboratory, Bogazici University); PubMed 31634715 (cited by Mayo Clinic Laboratories, Mayo Clinic).